The following is an entry in ClinVar:

NM_033131.4(WNT3A):c.254G>A (p.Arg85Gln)

Gene: WNT3A (Wnt family member 3A; plus strand). Cytogenetic location: 1q42.13.
Variant type: single nucleotide variant.
Coding change: c.254G>A on transcript NM_033131.4 (MANE Select); coding-DNA position 254, G replaced by A.
Protein change: p.Arg85Gln; replaces arginine 85 with glutamine.
Molecular consequence: missense variant.
Genome position (GRCh38, 1-based): chr1:228,022,849, G>A. VCF-style: chr1-228022849-G-A. GRCh37 (hg19) VCF-style: chr1-228210550-G-A.
Other names: short protein forms R85Q.
Identifiers: ClinVar variation 2915357 (VCV002915357.3), dbSNP rs749224268, ClinGen allele CA1429395.

ClinVar aggregate classification (germline): Uncertain significance (1 of 4 stars; one submission).

Allele frequency attached by ClinVar (database versions not stated): gnomAD 0.00001; gnomAD exomes 0.00001; ExAC 0.00002; TOPMed 0.00002.
gnomAD v4.1: 17 of 1,613,828 alleles (0.0011%); highest among the groups gnomAD compares: East Asian, 0.013%; no homozygotes.

Submission:

Labcorp Genetics (formerly Invitae), Labcorp
Classification: Uncertain significance. Last evaluated: 2023-10-22. Review status: criteria provided, single submitter. Criteria: Invitae Variant Classification Sherloc (09022015). Collection method: clinical testing. Allele origin: germline.
Comment: This sequence change replaces arginine, which is basic and polar, with glutamine, which is neutral and polar, at codon 85 of the WNT3A protein (p.Arg85Gln). This variant is present in population databases (rs749224268, gnomAD 0.02%). This missense change has been observed in individual(s) with Osteogenesis imperfecta (PMID: 32552793). Advanced modeling of protein sequence and biophysical properties (such as structural, functional, and spatial information, amino acid conservation, physicochemical variation, residue mobility, and thermodynamic stability) performed at Invitae indicates that this missense variant is not expected to disrupt WNT3A protein function. In summary, the available evidence is currently insufficient to determine the role of this variant in disease. Therefore, it has been classified as a Variant of Uncertain Significance.

Literature cited by the submitters: PubMed 32552793.